The following is an entry in ClinVar:

NM_000069.3(CACNA1S):c.3526-197A>G

Gene: CACNA1S (calcium voltage-gated channel subunit alpha1 S; minus strand). Cytogenetic location: 1q32.1.
Variant type: single nucleotide variant.
Coding change: c.3526-197A>G on transcript NM_000069.3 (MANE Select); 197 bases into the intron before coding-DNA position 3526, A replaced by G.
Molecular consequence: intron variant.
Genome position (GRCh38, 1-based): chr1:201,058,688, T>C on the plus strand (A>G on the coding strand, the complement: CACNA1S is on the minus strand). VCF-style: chr1-201058688-T-C. GRCh37 (hg19) VCF-style: chr1-201027816-T-C.
Identifiers: ClinVar variation 678384 (VCV000678384.1), dbSNP rs79649129, ClinGen allele CA36005474.

ClinVar aggregate classification (germline): Likely benign (1 of 4 stars; one submission).

Allele frequency attached by ClinVar (database versions not stated): gnomAD 0.00893 and 0.00962; TOPMed 0.00965; 1000 Genomes Project 0.01018; 1000 Genomes Project 30x 0.01062.
gnomAD v4.1: 1,344 of 152,254 alleles (0.88%); highest among the groups gnomAD compares: African/African-American, 3%; 25 homozygotes.

Submission:

GeneDx
Classification: Likely benign. Last evaluated: 2018-06-18. Review status: criteria provided, single submitter. Criteria: GeneDx Variant Classification (06012015). Collection method: clinical testing. Allele origin: germline. Affected: yes.
Comment: This variant is considered likely benign or benign based on one or more of the following criteria: it is a conservative change, it occurs at a poorly conserved position in the protein, it is predicted to be benign by multiple in silico algorithms, and/or has population frequency not consistent with disease.